The following is an entry in ClinVar:

ClinVar aggregate classification (germline): Uncertain significance (1 of 4 stars; one submission).

Conditions:
Inborn genetic diseases. Identifiers: MedGen C0950123, MeSH D030342.

gnomAD v4.1: 2 of 1,614,182 alleles (0.00012%); highest among the groups gnomAD compares: Non-Finnish European, 0.00017%; no homozygotes.

Submission:

Ambry Genetics
Classification: Uncertain significance for Inborn genetic diseases. Last evaluated: 2025-02-27. Review status: criteria provided, single submitter. Criteria: Ambry Variant Classification Scheme 2023. Collection method: clinical testing. Allele origin: germline.
Comment: The p.G744R variant (also known as c.2230G>A), located in coding exon 13 of the ASXL1 gene, results from a G to A substitution at nucleotide position 2230. The glycine at codon 744 is replaced by arginine, an amino acid with dissimilar properties. This amino acid position is conserved. In addition, this alteration is predicted to be tolerated by in silico analysis. Based on the available evidence, the clinical significance of this variant remains unclear.

NM_015338.6(ASXL1):c.2230G>A (p.Gly744Arg)

Gene: ASXL1 (ASXL transcriptional regulator 1; plus strand). Cytogenetic location: 20q11.21.
Variant type: single nucleotide variant.
Coding change: c.2230G>A on transcript NM_015338.6 (MANE Select); coding-DNA position 2230, G replaced by A.
Protein change: p.Gly744Arg; replaces glycine 744 with arginine.
Molecular consequence: missense variant.
Genome position (GRCh38, 1-based): chr20:32,434,942, G>A. VCF-style: chr20-32434942-G-A. GRCh37 (hg19) VCF-style: chr20-31022745-G-A.
Other names: c.2047G>A, p.Gly683Arg (NM_001363734.1); short protein forms G744R, G683R.
Identifiers: ClinVar variation 3793841 (VCV003793841.1).